The following is an entry in ClinVar:

ClinVar aggregate classification (germline): Uncertain significance. Review status: criteria provided, multiple submitters, no conflicts (2 of 4 stars). 5 submissions from 5 submitters: Uncertain significance (5). Last evaluated 2024-12-20.

Conditions:
Pheochromocytoma. Also called: MAX-Related Hereditary Paraganglioma-Pheochromocytoma Syndrome. Identifiers: Orphanet 29072, MedGen C0031511, MONDO:0008233, OMIM 171300, HP:0002666.
Pheochromocytoma/paraganglioma syndrome 1. Also called: Paragangliomas 1; Glomus tumors familial 1; Paraganglioma - glomus jugulare; SDHD-Related Hereditary Paraganglioma-Pheochromocytoma Syndrome; PARAGANGLIOMAS, FAMILIAL NONCHROMAFFIN, 1; PGL 1. Identifiers: Orphanet 29072, MedGen C3494181, MONDO:0008192, OMIM 168000.
Carney-Stratakis syndrome. Also called: PARAGANGLIOMA AND GASTROINTESTINAL STROMAL TUMOR. Identifiers: Orphanet 97286, MedGen C1847319, MONDO:0011740, OMIM 606864.
Mitochondrial complex 2 deficiency, nuclear type 3. Also called: MITOCHONDRIAL COMPLEX II DEFICIENCY, NUCLEAR TYPE 3. Identifiers: MedGen C5436934, MONDO:0030937, OMIM 619167.
Paragangliomas with sensorineural hearing loss. Identifiers: MedGen C1868633.
Cowden syndrome 3 (CWS3). Identifiers: Orphanet 201, MedGen CN166604, MONDO:0014045.
Hereditary cancer-predisposing syndrome. Also called: Neoplastic Syndromes, Hereditary; Hereditary neoplastic syndrome; Tumor predisposition; Hereditary Cancer Syndrome. Identifiers: Orphanet 140162, MedGen C0027672, MeSH D009386, MONDO:0015356.
Hereditary pheochromocytoma and paraganglioma. Also called: Hereditary Paraganglioma-Pheochromocytoma Syndromes; Hereditary paragangliomas and pheochromocytomas; Hereditary pheochromocytoma-paraganglioma. Identifiers: Orphanet 29072, MedGen C4274332, MONDO:0017366.

Allele frequency attached by ClinVar (database versions not stated): gnomAD exomes below 0.00001; TOPMed below 0.00001; ExAC 0.00001; gnomAD 0.00001.

Submissions (5):

Ambry Genetics
Classification: Uncertain significance for Hereditary cancer-predisposing syndrome. Last evaluated: 2024-12-20. Review status: criteria provided, single submitter. Criteria: Ambry Variant Classification Scheme 2023. Collection method: clinical testing. Allele origin: germline.
Comment: The p.H50Y variant (also known as c.148C>T), located in coding exon 2 of the SDHD gene, results from a C to T substitution at nucleotide position 148. The histidine at codon 50 is replaced by tyrosine, an amino acid with similar properties. This amino acid position is highly conserved in available vertebrate species. In addition, this alteration is predicted to be deleterious by in silico analysis. Since supporting evidence is limited at this time, the clinical significance of this alteration remains unclear.

All of Us Research Program, National Institutes of Health
Classification: Uncertain significance for Hereditary pheochromocytoma and paraganglioma. Last evaluated: 2024-06-09. Review status: criteria provided, single submitter. Criteria: ACMG Guidelines, 2015. Collection method: clinical testing. Allele origin: germline. Inheritance: Autosomal dominant inheritance. Observed: 2 variant alleles, 2 heterozygotes.
Comment: This missense variant replaces histidine with tyrosine at codon 50 of the SDHD protein. Computational prediction suggests that this variant may have deleterious impact on protein structure and function (internally defined REVEL score threshold >= 0.7, PMID: 27666373). To our knowledge, functional studies have not been reported for this variant. This variant has not been reported in individuals affected with SDHD-related disorders in the literature. This variant has been identified in 1/251456 chromosomes in the general population by the Genome Aggregation Database (gnomAD). The available evidence is insufficient to determine the role of this variant in disease conclusively. Therefore, this variant is classified as a Variant of Uncertain Significance.

This study involves interpretation of variants in research participants for the purpose of population health screening. Participant phenotype was not available at the time of variant classification. Additional details can be found in publication PMID: 35346344, PMCID: PMC8962531

Labcorp Genetics (formerly Invitae), Labcorp
Classification: Uncertain significance for Carney-Stratakis syndrome; Paragangliomas with sensorineural hearing loss; Pheochromocytoma; Cowden syndrome 3. Last evaluated: 2023-08-01. Review status: criteria provided, single submitter. Criteria: Invitae Variant Classification Sherloc (09022015). Collection method: clinical testing. Allele origin: germline.
Comment: In summary, the available evidence is currently insufficient to determine the role of this variant in disease. Therefore, it has been classified as a Variant of Uncertain Significance. Advanced modeling of protein sequence and biophysical properties (such as structural, functional, and spatial information, amino acid conservation, physicochemical variation, residue mobility, and thermodynamic stability) has been performed at Invitae for this missense variant, however the output from this modeling did not meet the statistical confidence thresholds required to predict the impact of this variant on SDHD protein function. ClinVar contains an entry for this variant (Variation ID: 412510). This variant has not been reported in the literature in individuals affected with SDHD-related conditions. This variant is present in population databases (rs779249550, gnomAD 0.0009%). This sequence change replaces histidine, which is basic and polar, with tyrosine, which is neutral and polar, at codon 50 of the SDHD protein (p.His50Tyr).

Fulgent Genetics
Classification: Uncertain significance for Pheochromocytoma/paraganglioma syndrome 1; Pheochromocytoma; Carney-Stratakis syndrome; Mitochondrial complex 2 deficiency, nuclear type 3. Last evaluated: 2021-11-24. Review status: criteria provided, single submitter. Criteria: ACMG Guidelines, 2015. Collection method: clinical testing. Allele origin: unknown.

Quest Diagnostics Nichols Institute San Juan Capistrano
Classification: Uncertain significance. Last evaluated: 2019-02-22. Review status: criteria provided, single submitter. Criteria: Quest Diagnostics criteria. Collection method: clinical testing. Allele origin: germline.

NM_003002.4(SDHD):c.148C>T (p.His50Tyr)

Gene: SDHD (succinate dehydrogenase complex subunit D; plus strand). Cytogenetic location: 11q23.1.
Variant type: single nucleotide variant.
Coding change: c.148C>T on transcript NM_003002.4 (MANE Select); coding-DNA position 148, C replaced by T.
Protein change: p.His50Tyr; replaces histidine 50 with tyrosine.
Molecular consequence: missense variant. On other transcripts: non-coding transcript variant (1), intron variant (1).
Genome position (GRCh38, 1-based): chr11:112,087,952, C>T. VCF-style: chr11-112087952-C-T. GRCh37 (hg19) VCF-style: chr11-111958676-C-T.
Other names: c.148C>T (NM_003002.2); c.148C>T, p.His50Tyr (NM_001276503.2, NM_001276506.2); c.53-915C>T (NM_001276504.2); short protein forms H50Y.
Identifiers: ClinVar variation 412510 (VCV000412510.14), dbSNP rs779249550, ClinGen allele CA070688.